The following is an entry in ClinVar:

ClinVar aggregate classification (germline): Likely benign. Review status: criteria provided, multiple submitters, no conflicts (2 of 4 stars). 2 submissions from 2 submitters: Likely benign (2). Last evaluated 2024-10-01.

Conditions:
Hypercholesterolemia, autosomal dominant, type B (FHCL2). Also called: Hyperlipoproteinemia Type IIb; APOLIPOPROTEIN B-100, FAMILIAL DEFECTIVE; APOLIPOPROTEIN B-100, FAMILIAL LIGAND-DEFECTIVE; Familial hypercholesterolemia 2; Familial Hypercholesterolemia Type B; APOB-Related Familial Hypercholesterolemia, Autosomal Dominant. Identifiers: MedGen C1704417, MONDO:0007751, OMIM 144010.
Familial hypobetalipoproteinemia 1. Also called: Hypobetalipoproteinemia, normotriglyceridemic; Acanthocytosis with hypobetalipoproteinemia; APOB-Related Familial Hypobetalipoproteinemia. Identifiers: MedGen C4551990, MONDO:0014252, OMIM 615558.

Allele frequency attached by ClinVar (database versions not stated): gnomAD exomes below 0.00001; TOPMed below 0.00001.
gnomAD v4.1: 1 of 1,614,180 alleles (0.000062%); highest among the groups gnomAD compares: Non-Finnish European, 0.000085%; no homozygotes.

Submissions (2):

CeGaT Center for Human Genetics Tuebingen
Classification: Likely benign. Last evaluated: 2024-10-01. Review status: criteria provided, single submitter. Criteria: CeGaT Center For Human Genetics Tuebingen Variant Classification Criteria Version 2. Collection method: clinical testing. Allele origin: germline. Affected: yes. Observed: 2 variant alleles.
Comment: APOB: BP4, BP7

Labcorp Genetics (formerly Invitae), Labcorp
Classification: Likely benign for Familial hypobetalipoproteinemia 1; Hypercholesterolemia, autosomal dominant, type B. Last evaluated: 2019-06-05. Review status: criteria provided, single submitter. Criteria: Invitae Variant Classification Sherloc (09022015). Collection method: clinical testing. Allele origin: germline.

NM_000384.3(APOB):c.159A>G (p.Thr53=)

Genes: APOB (apolipoprotein B; minus strand), LOC106560211 (APOB 5' regulatory region; plus strand). Cytogenetic location: 2p24.1.
Variant type: single nucleotide variant.
Coding change: c.159A>G on transcript NM_000384.3 (MANE Select); coding-DNA position 159, A replaced by G.
Protein change: p.Thr53=; no amino-acid change (threonine 53 retained).
Molecular consequence: synonymous variant.
Genome position (GRCh38, 1-based): chr2:21,042,439, T>C on the plus strand (A>G on the coding strand, the complement: APOB is on the minus strand). VCF-style: chr2-21042439-T-C. GRCh37 (hg19) VCF-style: chr2-21265311-T-C.
Identifiers: ClinVar variation 1158918 (VCV001158918.37), dbSNP rs1188239237, ClinGen allele CA425121798.
Genomic context (GRCh38, chr2:21,042,439, plus strand): 5'-GGCACTTCTTGAATCAGCAGTCCCAGGGACTCCACTGGAACTCTCAGCCTCATAGTTGTA[T>C]GTGTACTTCCGGAGGTGCTTGAATCGGGTCGCATCTTCTAACGTGGGGAGAAATACGTCA-3'
Protein context (NP_000375.3, residues 43-63): ATRFKHLRKY[Thr53=]YNYEAESSSG